The following is an entry in ClinVar:

ClinVar aggregate classification (germline): Uncertain significance (1 of 4 stars; one submission).

Conditions:
Hajdu-Cheney syndrome (HJCYS). Also called: Acroosteolysis dominant type; ACROOSTEOLYSIS WITH OSTEOPOROSIS AND CHANGES IN SKULL AND MANDIBLE; SERPENTINE FIBULA-POLYCYSTIC KIDNEY SYNDROME. Identifiers: Orphanet 955, MedGen C0917715, MONDO:0007057, OMIM 102500.

Submission:

Labcorp Genetics (formerly Invitae), Labcorp
Classification: Uncertain significance for Hajdu-Cheney syndrome. Last evaluated: 2024-06-26. Review status: criteria provided, single submitter. Criteria: Invitae Variant Classification Sherloc (09022015). Collection method: clinical testing. Allele origin: germline.
Comment: This sequence change replaces glycine, which is neutral and non-polar, with aspartic acid, which is acidic and polar, at codon 601 of the NOTCH2 protein (p.Gly601Asp). This variant is not present in population databases (gnomAD no frequency). This variant has not been reported in the literature in individuals affected with NOTCH2-related conditions. Advanced modeling of protein sequence and biophysical properties (such as structural, functional, and spatial information, amino acid conservation, physicochemical variation, residue mobility, and thermodynamic stability) performed at Invitae indicates that this missense variant is expected to disrupt NOTCH2 protein function with a positive predictive value of 95%. In summary, the available evidence is currently insufficient to determine the role of this variant in disease. Therefore, it has been classified as a Variant of Uncertain Significance.

NM_024408.4(NOTCH2):c.1802G>A (p.Gly601Asp)

Gene: NOTCH2 (notch receptor 2; minus strand). Cytogenetic location: 1p12.
Variant type: single nucleotide variant.
Coding change: c.1802G>A on transcript NM_024408.4 (MANE Select); coding-DNA position 1802, G replaced by A.
Protein change: p.Gly601Asp; replaces glycine 601 with aspartic acid.
Molecular consequence: missense variant.
Genome position (GRCh38, 1-based): chr1:119,963,687, C>T on the plus strand (G>A on the coding strand, the complement: NOTCH2 is on the minus strand). VCF-style: chr1-119963687-C-T. GRCh37 (hg19) VCF-style: chr1-120506310-C-T.
Other names: c.1802G>A, p.Gly601Asp (NM_001200001.2); short protein forms G601D.
Identifiers: ClinVar variation 3633605 (VCV003633605.2).